The following is an entry in ClinVar:

NM_000263.4(NAGLU):c.136del (p.Ala46fs)

Genes: NAGLU (N-acetyl-alpha-glucosaminidase; plus strand), LOC130060903 (ATAC-STARR-seq lymphoblastoid silent region 8533; plus strand). Cytogenetic location: 17q21.2.
Variant type: Deletion.
Coding change: c.136del on transcript NM_000263.4 (MANE Select); coding-DNA position 136, one base deleted (G; older notation c.136delG).
Protein change: p.Ala46fs; shifts the reading frame from alanine 46.
Molecular consequence: frameshift variant.
Genome position (GRCh38, 1-based): chr17:42,536,408, G deleted; the last of 2 consecutive G bases (chr17:42,536,407-42,536,408); deleting either gives the same sequence. VCF-style (leftmost placement, unchanged base first): chr17-42536406-CG-C. GRCh37 (hg19) VCF-style: chr17-40688424-CG-C.
Other names: short protein forms A46fs.
Identifiers: ClinVar variation 1071442 (VCV001071442.9), dbSNP rs2143075902, ClinGen allele CA2499224327.

ClinVar aggregate classification (germline): Pathogenic (1 of 4 stars; one submission).

Conditions:
Charcot-Marie-Tooth disease axonal type 2V. Also called: CHARCOT-MARIE-TOOTH NEUROPATHY, TYPE 2V; CHARCOT-MARIE-TOOTH DISEASE, AXONAL, AUTOSOMAL DOMINANT, TYPE 2V. Identifiers: Orphanet 447964, MedGen C5569050, MONDO:0014665, OMIM 616491.
Mucopolysaccharidosis, MPS-III-B (MPS3B). Also called: MPS III B; Mucopolysaccharidosis type IIIB (Sanfilippo B); N-ACETYL-ALPHA-D-GLUCOSAMINIDASE DEFICIENCY; NAGLU DEFICIENCY; SANFILIPPO SYNDROME B; MUCOPOLYSACCHARIDOSIS, TYPE IIIB. Identifiers: Orphanet 79270, MedGen C0086648, MONDO:0009656, OMIM 252920.

Submission:

Labcorp Genetics (formerly Invitae), Labcorp
Classification: Pathogenic for Charcot-Marie-Tooth disease axonal type 2V; Mucopolysaccharidosis, MPS-III-B. Last evaluated: 2023-09-13. Review status: criteria provided, single submitter. Criteria: Invitae Variant Classification Sherloc (09022015). Collection method: clinical testing. Allele origin: germline.
Comment: This sequence change creates a premature translational stop signal (p.Ala46Profs*76) in the NAGLU gene. It is expected to result in an absent or disrupted protein product. Loss-of-function variants in NAGLU are known to be pathogenic (PMID: 9832037, 10094189, 16151907). This variant is not present in population databases (gnomAD no frequency). This variant has not been reported in the literature in individuals affected with NAGLU-related conditions. ClinVar contains an entry for this variant (Variation ID: 1071442). For these reasons, this variant has been classified as Pathogenic.

Literature cited by the submitters: PubMed 9832037; PubMed 10094189; PubMed 16151907.